The following is an entry in ClinVar:

ClinVar aggregate classification (germline): Uncertain significance. Review status: criteria provided, multiple submitters, no conflicts (2 of 4 stars). 2 submissions from 2 submitters: Uncertain significance (2). Last evaluated 2026-01-27.

Conditions:
Long QT syndrome (LQTS). Identifiers: MedGen C0023976, MeSH D008133, MONDO:0002442. Disease mechanism: loss of function. Inheritance: Various modes of inheritance.
Cardiovascular phenotype. Identifiers: MedGen CN230736.

Allele frequency attached by ClinVar (database versions not stated): gnomAD exomes 0.00001; TOPMed 0.00001; ExAC 0.00002.
gnomAD v4.1: 9 of 1,613,662 alleles (0.00056%); highest among the groups gnomAD compares: Non-Finnish European, 0.00068%; no homozygotes.

Submissions (2):

Labcorp Genetics (formerly Invitae), Labcorp
Classification: Uncertain significance for Long QT syndrome. Last evaluated: 2026-01-27. Review status: criteria provided, single submitter. Criteria: Invitae Variant Classification Sherloc (09022015). Collection method: clinical testing. Allele origin: germline.
Comment: This sequence change replaces phenylalanine, which is neutral and non-polar, with serine, which is neutral and polar, at codon 2921 of the AKAP9 protein (p.Phe2921Ser). This variant is present in population databases (rs764285952, gnomAD 0.002%). This variant has not been reported in the literature in individuals affected with AKAP9-related conditions. ClinVar contains an entry for this variant (Variation ID: 2059886). An algorithm developed to predict the effect of missense changes on protein structure and function (PolyPhen-2) suggests that this variant is likely to be tolerated. In summary, the available evidence is currently insufficient to determine the role of this variant in disease. Therefore, it has been classified as a Variant of Uncertain Significance.

Ambry Genetics
Classification: Uncertain significance for Cardiovascular phenotype. Last evaluated: 2025-02-15. Review status: criteria provided, single submitter. Criteria: Ambry Variant Classification Scheme 2023. Collection method: clinical testing. Allele origin: germline.
Comment: The p.F2921S variant (also known as c.8762T>C), located in coding exon 35 of the AKAP9 gene, results from a T to C substitution at nucleotide position 8762. The phenylalanine at codon 2921 is replaced by serine, an amino acid with highly dissimilar properties. This amino acid position is conserved. In addition, this alteration is predicted to be tolerated by in silico analysis. Since supporting evidence is limited at this time, the clinical significance of this alteration remains unclear.

NM_005751.5(AKAP9):c.8762T>C (p.Phe2921Ser)

Gene: AKAP9 (A-kinase anchoring protein 9; plus strand). Cytogenetic location: 7q21.2.
Variant type: single nucleotide variant.
Coding change: c.8762T>C on transcript NM_005751.5 (MANE Select); coding-DNA position 8762, T replaced by C.
Protein change: p.Phe2921Ser; replaces phenylalanine 2921 with serine.
Molecular consequence: missense variant.
Genome position (GRCh38, 1-based): chr7:92,084,870, T>C. VCF-style: chr7-92084870-T-C. GRCh37 (hg19) VCF-style: chr7-91714184-T-C.
Other names: c.3407T>C, p.Phe1136Ser (NM_001379277.1); c.8738T>C, p.Phe2913Ser (NM_147185.3); short protein forms F1136S, F2921S, F2913S.
Identifiers: ClinVar variation 2059886 (VCV002059886.7), dbSNP rs764285952, ClinGen allele CA4337581.